The following is an entry in ClinVar:

NM_001142800.2(EYS):c.2826_2827del (p.Val944fs)

Gene: EYS (EGF-like photoreceptor maintenance factor; minus strand). Cytogenetic location: 6q12.
Variant type: Deletion.
Coding change: c.2826_2827del on transcript NM_001142800.2 (MANE Select); coding-DNA positions 2826 to 2827, 2 bases deleted (AT; older notation c.2826_2827delAT).
Protein change: p.Val944fs; shifts the reading frame from valine 944.
Molecular consequence: frameshift variant.
Genome position (GRCh38, 1-based): chr6:64,902,132-64,902,133, AT deleted on the plus strand (AT on the coding strand, the reverse complement: EYS is on the minus strand). VCF-style (leftmost placement, unchanged base first): chr6-64902131-CAT-C. GRCh37 (hg19) VCF-style: chr6-65612024-CAT-C.
Other names: c.2826_2827delAT (NM_001142800.2); c.2826_2827del (NM_001142800.1); c.2826_2827del, p.Val944fs (NM_001292009.2); short protein forms V944fs.
Identifiers: ClinVar variation 236446 (VCV000236446.59), dbSNP rs878853349, ClinGen allele CA10581669.

ClinVar aggregate classification (germline): Pathogenic. Review status: criteria provided, multiple submitters, no conflicts (2 of 4 stars). 11 submissions from 11 submitters: Pathogenic (10). 1 of the submissions does not count toward it. Last evaluated 2026-06-08.

Conditions:
EYS-related disorder. Also called: EYS-related condition.
Retinitis pigmentosa 25 (RP25). Identifiers: Orphanet 791, MedGen C1864446, MONDO:0011272, OMIM 602772.
Retinitis pigmentosa (RP). Identifiers: Orphanet 791, MedGen C0035334, MeSH D012174, MONDO:0019200, OMIM 268000. Inheritance: Autosomal dominant, autosomal recessive and X linked inheritance.
Retinal dystrophy. Also called: Inherited retinal dystrophy. Identifiers: Orphanet 71862, MedGen C0854723, MeSH D058499, MONDO:0019118, HP:0000556.

Allele frequency attached by ClinVar (database versions not stated): gnomAD 0.00001; gnomAD exomes 0.00002.

Submissions (11):

PreventionGenetics, part of Exact Sciences
Classification: Pathogenic for EYS-related condition. Last evaluated: 2026-06-08. Review status: criteria provided, single submitter. Criteria: ACMG Guidelines, 2015. Collection method: clinical testing. Allele origin: germline.
Comment: The EYS c.2826_2827delAT variant is predicted to result in a frameshift and premature protein termination (p.Val944Glyfs*9). This variant has been reported in several individuals with retinal disease (see for examples: Perez-Carro et al. 2016. PubMed ID: 26806561; Table S3, Zampaglione et al. 2021. PubMed ID: 34906470; Table S4, Panneman et al. 2023. PubMed ID: 36819107; Table S1, Lin et al. 2024. PubMed ID: 38219857). This variant is present in 0.011% of alleles in individuals of African descent in gnomAD. Frameshift variants in EYS are an established mechanism of disease. This variant is interpreted as pathogenic.

Natera, Inc.
Classification: Pathogenic for Retinitis pigmentosa type 25. Last evaluated: 2025-12-04. Review status: criteria provided, single submitter. Criteria: Natera Variant Classification Schema (03/2026). Collection method: clinical testing. Allele origin: germline.
Comment: The c.2826_2827delAT variant in EYS is a frameshift variant predicted to shift the reading frame beginning at codon 944 and leads to a stop codon 9 codons downstream. This variant is expected to result in nonsense mediated decay, truncation, or a dysfunctional protein product. This variant is rare in the general population with a frequency below the threshold expected for the associated phenotype(s). This variant has been observed in one or more individuals affected with the associated recessive disease, as either homozygous or compound heterozygous with a second variant (PMID: 30902645). Given the available evidence, this variant is classified as Pathogenic.

Labcorp Genetics (formerly Invitae), Labcorp
Classification: Pathogenic. Last evaluated: 2025-11-03. Review status: criteria provided, single submitter. Criteria: Invitae Variant Classification Sherloc (09022015). Collection method: clinical testing. Allele origin: germline.
Comment: This sequence change creates a premature translational stop signal (p.Val944Glyfs*9) in the EYS gene. It is expected to result in an absent or disrupted protein product. Loss-of-function variants in EYS are known to be pathogenic (PMID: 18836446, 20333770). This variant is present in population databases (no rsID available, gnomAD 0.01%). This premature translational stop signal has been observed in individual(s) with autosomal recessive retinitis pigmentosa (PMID: 26806561, 28704921). ClinVar contains an entry for this variant (Variation ID: 236446). For these reasons, this variant has been classified as Pathogenic.

Baylor Genetics
Classification: Pathogenic for Retinitis pigmentosa 25. Last evaluated: 2023-12-19. Review status: criteria provided, single submitter. Criteria: ACMG Guidelines, 2015. Collection method: clinical testing. Allele origin: unknown.

Dept Of Ophthalmology, Nagoya University
Classification: Pathogenic for Retinal dystrophy. Last evaluated: 2023-10-01. Review status: criteria provided, single submitter. Criteria: Submitter's publication. Collection method: research. Allele origin: germline. Affected: yes.

Blueprint Genetics
Classification: Pathogenic for EYS-related disorders. Last evaluated: 2022-07-09. Review status: criteria provided, single submitter. Criteria: ACMG Guidelines, 2015. Collection method: clinical testing. Allele origin: germline. Affected: yes. Observed: 5 variant alleles.

Revvity Omics, Revvity
Classification: Pathogenic for Retinitis pigmentosa 25. Last evaluated: 2022-03-07. Review status: criteria provided, single submitter. Criteria: ACMG Guidelines, 2015. Collection method: clinical testing. Allele origin: germline.

Ocular Genomics Institute, Massachusetts Eye and Ear
Classification: Pathogenic for Retinitis pigmentosa 25. Last evaluated: 2021-04-08. Review status: criteria provided, single submitter. Criteria: ACMG Guidelines, 2015. Collection method: research. Allele origin: germline. Affected: yes.
Comment: Through a review of available evidence we were able to apply the following criteria: PVS1, PM2, PS1, PM3. Based on this evidence we have classified this variant as Pathogenic.

INSERM U1051, Institut des Neurosciences de Montpellier
Classification: Pathogenic for Retinitis pigmentosa. Last evaluated: 2020-06-24. Review status: criteria provided, single submitter. Criteria: ACMG Guidelines, 2015. Collection method: research. Allele origin: inherited. Affected: yes.

CeGaT Center for Human Genetics Tuebingen
Classification: Pathogenic. Last evaluated: 2017-03-01. Review status: criteria provided, single submitter. Criteria: CeGaT Center For Human Genetics Tuebingen Variant Classification Criteria Version 2. Collection method: clinical testing. Allele origin: germline. Affected: yes. Observed: 1 variant allele.

Centre for Genomic Medicine, Manchester, Central Manchester University Hospitals
Classification: Likely pathogenic for Retinal dystrophy. Review status: no assertion criteria provided. Collection method: clinical testing. Allele origin: germline. Affected: yes. Not counted in ClinVar's aggregate classification.

Literature cited by the submitters: PubMed 30902645 (cited by Natera, Inc.); PubMed 18836446 (cited by Labcorp Genetics (formerly Invitae), Labcorp); PubMed 20333770 (cited by Labcorp Genetics (formerly Invitae), Labcorp); PubMed 26806561 (cited by Labcorp Genetics (formerly Invitae), Labcorp and Ocular Genomics Institute, Massachusetts Eye and Ear); PubMed 28704921 (cited by Labcorp Genetics (formerly Invitae), Labcorp and Ocular Genomics Institute, Massachusetts Eye and Ear).